The following is an entry in ClinVar:

NM_024334.3(TMEM43):c.110T>G (p.Phe37Cys)

Gene: TMEM43 (transmembrane protein 43; plus strand). Cytogenetic location: 3p25.1.
Variant type: single nucleotide variant.
Coding change: c.110T>G on transcript NM_024334.3 (MANE Select); coding-DNA position 110, T replaced by G.
Protein change: p.Phe37Cys; replaces phenylalanine 37 with cysteine.
Molecular consequence: missense variant.
Genome position (GRCh38, 1-based): chr3:14,129,509, T>G. VCF-style: chr3-14129509-T-G. GRCh37 (hg19) VCF-style: chr3-14171009-T-G.
Other names: short protein forms F37C.
Identifiers: ClinVar variation 926298 (VCV000926298.13), dbSNP rs1695064977, ClinGen allele CA351534357.

ClinVar aggregate classification (germline): Uncertain significance. Review status: criteria provided, multiple submitters, no conflicts (2 of 4 stars). 3 submissions from 3 submitters: Uncertain significance (3). Last evaluated 2024-10-14.

Conditions:
Cardiovascular phenotype. Identifiers: MedGen CN230736.
Cardiomyopathy (CMYO). Also called: Cardiomyopathies. Identifiers: Orphanet 167848, MedGen C0878544, MONDO:0004994, HP:0001638. Inheritance: Various modes of inheritance.
Arrhythmogenic right ventricular dysplasia 5. Also called: Arrhythmogenic Right Ventricular Dysplasia/Cardiomyopathy 5; ARRHYTHMOGENIC RIGHT VENTRICULAR DYSPLASIA, FAMILIAL, 5. Identifiers: MedGen C1858379, MONDO:0011459, OMIM 604400.

Allele frequency attached by ClinVar (database versions not stated): gnomAD exomes below 0.00001.

Submissions (3):

Ambry Genetics
Classification: Uncertain significance for Cardiovascular phenotype. Last evaluated: 2024-10-14. Review status: criteria provided, single submitter. Criteria: Ambry Variant Classification Scheme 2023. Collection method: clinical testing. Allele origin: germline.
Comment: The p.F37C variant (also known as c.110T>G), located in coding exon 2 of the TMEM43 gene, results from a T to G substitution at nucleotide position 110. The phenylalanine at codon 37 is replaced by cysteine, an amino acid with highly dissimilar properties. This amino acid position is conserved. In addition, this alteration is predicted to be tolerated by in silico analysis. Based on the available evidence, the clinical significance of this variant remains unclear.

Color Diagnostics, LLC DBA Color Health
Classification: Uncertain significance for Cardiomyopathy. Last evaluated: 2024-03-06. Review status: criteria provided, single submitter. Criteria: ACMG Guidelines, 2015. Collection method: clinical testing. Allele origin: germline.
Comment: This missense variant replaces phenylalanine with cysteine at codon 37 of the TMEM43 protein. Computational prediction tool suggests that this variant may not impact protein structure and function (internally defined REVEL score threshold <=0.5, PMID: 27666373). Splice site prediction tools suggest that this variant may not impact RNA splicing. To our knowledge, functional studies have not been performed for this variant. This variant has not been reported in individuals affected with cardiovascular disorders in the literature. This variant has not been identified in the general population by the Genome Aggregation Database (gnomAD). The available evidence is insufficient to determine the role of this variant in disease conclusively. Therefore, this variant is classified as a Variant of Uncertain Significance.

Labcorp Genetics (formerly Invitae), Labcorp
Classification: Uncertain significance for Arrhythmogenic right ventricular dysplasia 5. Last evaluated: 2022-07-19. Review status: criteria provided, single submitter. Criteria: Invitae Variant Classification Sherloc (09022015). Collection method: clinical testing. Allele origin: germline.
Comment: In summary, the available evidence is currently insufficient to determine the role of this variant in disease. Therefore, it has been classified as a Variant of Uncertain Significance. Algorithms developed to predict the effect of missense changes on protein structure and function are either unavailable or do not agree on the potential impact of this missense change (SIFT: "Deleterious"; PolyPhen-2: "Benign"; Align-GVGD: "Class C0"). ClinVar contains an entry for this variant (Variation ID: 926298). This variant has not been reported in the literature in individuals affected with TMEM43-related conditions. This variant is not present in population databases (gnomAD no frequency). This sequence change replaces phenylalanine, which is neutral and non-polar, with cysteine, which is neutral and slightly polar, at codon 37 of the TMEM43 protein (p.Phe37Cys).